The following is an entry in ClinVar:

NM_006206.6(PDGFRA):c.1721A>G (p.Tyr574Cys)

Gene: PDGFRA (platelet derived growth factor receptor alpha; plus strand). Cytogenetic location: 4q12.
Variant type: single nucleotide variant.
Coding change: c.1721A>G on transcript NM_006206.6 (MANE Select); coding-DNA position 1721, A replaced by G.
Protein change: p.Tyr574Cys; replaces tyrosine 574 with cysteine.
Molecular consequence: missense variant.
Genome position (GRCh38, 1-based): chr4:54,274,908, A>G. VCF-style: chr4-54274908-A-G. GRCh37 (hg19) VCF-style: chr4-55141075-A-G.
Other names: c.1721A>G, p.Tyr574Cys (NM_001347827.2, NM_001347829.2); c.1796A>G, p.Tyr599Cys (NM_001347828.2); c.1760A>G, p.Tyr587Cys (NM_001347830.2); short protein forms Y587C, Y599C, Y574C.
Identifiers: ClinVar variation 1778767 (VCV001778767.5), dbSNP rs924618799, ClinGen allele CA356893167.
Genomic context (GRCh38, chr4:54,274,908, plus strand): 5'-GGTATGAAATTCGCTGGAGGGTCATTGAATCAATCAGCCCAGATGGACATGAATATATTT[A>G]TGTGGACCCGATGCAGCTGCCTTATGACTCAAGATGGGAGTTTCCAAGAGATGGACTAGT-3'
Protein context (NP_006197.1, residues 564-584): SISPDGHEYI[Tyr574Cys]VDPMQLPYDS

ClinVar aggregate classification (germline): Uncertain significance. Review status: criteria provided, multiple submitters, no conflicts (2 of 4 stars). 2 submissions from 2 submitters: Uncertain significance (2). Last evaluated 2025-08-12.

Conditions:
Gastrointestinal stromal tumor. Also called: Gastrointestinal stromal tumor, somatic; Gastrointestinal stroma tumor. Identifiers: Orphanet 44890, MedGen C0238198, MeSH D046152, MONDO:0011719, OMIM 606764, HP:0100723.
Hereditary cancer-predisposing syndrome. Also called: Neoplastic Syndromes, Hereditary; Tumor predisposition; Hereditary Cancer Syndrome; Hereditary neoplastic syndrome. Identifiers: Orphanet 140162, MedGen C0027672, MeSH D009386, MONDO:0015356.

Submissions (2):

Ambry Genetics
Classification: Uncertain significance for Hereditary cancer-predisposing syndrome. Last evaluated: 2025-08-12. Review status: criteria provided, single submitter. Criteria: Ambry Variant Classification Scheme 2023. Collection method: clinical testing. Allele origin: germline.
Comment: The p.Y574C variant (also known as c.1721A>G), located in coding exon 11 of the PDGFRA gene, results from an A to G substitution at nucleotide position 1721. The tyrosine at codon 574 is replaced by cysteine, an amino acid with highly dissimilar properties. This amino acid position is conserved. In addition, this alteration is predicted to be deleterious by in silico analysis. Since supporting evidence is limited at this time, the clinical significance of this alteration remains unclear.

Labcorp Genetics (formerly Invitae), Labcorp
Classification: Uncertain significance for Gastrointestinal stromal tumor. Last evaluated: 2025-01-29. Review status: criteria provided, single submitter. Criteria: Invitae Variant Classification Sherloc (09022015). Collection method: clinical testing. Allele origin: germline.
Comment: This sequence change replaces tyrosine, which is neutral and polar, with cysteine, which is neutral and slightly polar, at codon 574 of the PDGFRA protein (p.Tyr574Cys). This variant is not present in population databases (gnomAD no frequency). This variant has not been reported in the literature in individuals affected with PDGFRA-related conditions. ClinVar contains an entry for this variant (Variation ID: 1778767). Invitae Evidence Modeling of protein sequence and biophysical properties (such as structural, functional, and spatial information, amino acid conservation, physicochemical variation, residue mobility, and thermodynamic stability) has been performed for this missense variant. However, the output from this modeling did not meet the statistical confidence thresholds required to predict the impact of this variant on PDGFRA protein function. In summary, the available evidence is currently insufficient to determine the role of this variant in disease. Therefore, it has been classified as a Variant of Uncertain Significance.